The following is an entry in ClinVar:

ClinVar aggregate classification (germline): Uncertain significance (1 of 4 stars; one submission).

Submission:

GeneDx
Classification: Uncertain significance. Last evaluated: 2024-09-20. Review status: criteria provided, single submitter. Criteria: GeneDx Variant Classification Process June 2021. Collection method: clinical testing. Allele origin: germline. Affected: yes.
Comment: Not observed at significant frequency in large population cohorts (gnomAD); In silico analysis supports that this missense variant has a deleterious effect on protein structure/function; Has not been previously published as pathogenic or benign to our knowledge

NM_001127222.2(CACNA1A):c.5669T>C (p.Val1890Ala)

Gene: CACNA1A (calcium voltage-gated channel subunit alpha1 A; minus strand). Cytogenetic location: 19p13.13.
Variant type: single nucleotide variant.
Coding change: c.5669T>C on transcript NM_001127222.2 (MANE Select); coding-DNA position 5669, T replaced by C.
Protein change: p.Val1890Ala; replaces valine 1890 with alanine.
Molecular consequence: missense variant.
Genome position (GRCh38, 1-based): chr19:13,224,729, A>G on the plus strand (T>C on the coding strand, the complement: CACNA1A is on the minus strand). VCF-style: chr19-13224729-A-G. GRCh37 (hg19) VCF-style: chr19-13335543-A-G.
Other names: c.5687T>C, p.Val1896Ala (NM_000068.4, NM_023035.3); c.5672T>C, p.Val1891Ala (NM_001127221.2); c.5678T>C, p.Val1893Ala (NM_001174080.2); short protein forms V1890A, V1891A, V1893A, V1896A.
Identifiers: ClinVar variation 3774248 (VCV003774248.1).